The following is an entry in ClinVar:

NM_004260.4(RECQL4):c.2261G>A (p.Arg754Gln)

Gene: RECQL4 (RecQ like helicase 4; minus strand). Cytogenetic location: 8q24.3.
Variant type: single nucleotide variant.
Coding change: c.2261G>A on transcript NM_004260.4 (MANE Select); coding-DNA position 2261, G replaced by A.
Protein change: p.Arg754Gln; replaces arginine 754 with glutamine.
Molecular consequence: missense variant.
Genome position (GRCh38, 1-based): chr8:144,513,420, C>T on the plus strand (G>A on the coding strand, the complement: RECQL4 is on the minus strand). VCF-style: chr8-144513420-C-T. GRCh37 (hg19) VCF-style: chr8-145738804-C-T.
Other names: short protein forms R754Q.
Identifiers: ClinVar variation 459391 (VCV000459391.11), dbSNP rs190061994, ClinGen allele CA4948358.

ClinVar aggregate classification (germline): Uncertain significance. Review status: criteria provided, multiple submitters, no conflicts (2 of 4 stars). 3 submissions from 3 submitters: Uncertain significance (2). 1 of the submissions does not count toward it. Last evaluated 2026-01-13.

Conditions:
Hereditary cancer-predisposing syndrome. Also called: Hereditary neoplastic syndrome; Neoplastic Syndromes, Hereditary; Tumor predisposition; Hereditary Cancer Syndrome. Identifiers: Orphanet 140162, MedGen C0027672, MeSH D009386, MONDO:0015356.
Baller-Gerold syndrome (BGS). Also called: CRANIOSYNOSTOSIS WITH RADIAL DEFECTS. Identifiers: Orphanet 1225, MedGen C0265308, MONDO:0009039, OMIM 218600.

Allele frequency attached by ClinVar (database versions not stated): gnomAD 0.00013; TOPMed 0.00015; 1000 Genomes Project 30x 0.00016; ExAC 0.00018; gnomAD exomes 0.00019; 1000 Genomes Project 0.00020; ESP Exome Variant Server 0.00040.
gnomAD v4.1: 162 of 1,609,430 alleles (0.01%); highest among the groups gnomAD compares: Middle Eastern, 0.099%; no homozygotes.

Submissions (3):

Labcorp Genetics (formerly Invitae), Labcorp
Classification: Uncertain significance for Baller-Gerold syndrome. Last evaluated: 2026-01-13. Review status: criteria provided, single submitter. Criteria: Invitae Variant Classification Sherloc (09022015). Collection method: clinical testing. Allele origin: germline.
Comment: This sequence change replaces arginine, which is basic and polar, with glutamine, which is neutral and polar, at codon 754 of the RECQL4 protein (p.Arg754Gln). This variant is present in population databases (rs190061994, gnomAD 0.05%). This variant has not been reported in the literature in individuals affected with RECQL4-related conditions. ClinVar contains an entry for this variant (Variation ID: 459391). Invitae Evidence Modeling of protein sequence and biophysical properties (such as structural, functional, and spatial information, amino acid conservation, physicochemical variation, residue mobility, and thermodynamic stability) indicates that this missense variant is not expected to disrupt RECQL4 protein function with a negative predictive value of 80%. In summary, the available evidence is currently insufficient to determine the role of this variant in disease. Therefore, it has been classified as a Variant of Uncertain Significance.

Sema4
Classification: Uncertain significance for Hereditary cancer-predisposing syndrome. Last evaluated: 2022-01-23. Review status: criteria provided, single submitter. Criteria: Sema4 Curation Guidelines. Collection method: curation. Allele origin: germline.
Comment: To the best of our knowledge, the RECQL4 c.2261G>A (p.R754Q) variant has not been reported in individuals with RECQL4-related disease. It was observed in 50/272682 chromosomes across the large and broad cohorts of the Genome Aggregation Database (PMID: 32461654). The variant has been reported in ClinVar (Variation ID: 459391). Computational analyses and evolutionary conservation suggest that the variant does not impact the function of the protein, however these predictions have not been confirmed by published functional studies. The evidence is insufficient to meet ACMG/AMP criteria for classifying the variant as benign or pathogenic. Thus, the clinical significance of this variant is currently uncertain.

Genetic Services Laboratory, University of Chicago
Classification: Uncertain significance. Last evaluated: 2022-07-12. Review status: no assertion criteria provided. Collection method: clinical testing. Allele origin: germline. Affected: no. Not counted in ClinVar's aggregate classification.
Comment: DNA sequence analysis of the RECQL4 gene demonstrated a sequence change, c.2261G>A, in exon 14 that results in an amino acid change, p.Arg754Gln. This sequence change does not appear to have been previously described in individuals with RECQL4-related disorders. This sequence change has been described in the gnomAD database with a frequency of 0.05% in the European subpopulation (dbSNP rs190061994). The p.Arg754Gln change affects a moderately conserved amino acid residue located in a domain of the RECQL4 protein that is known to be functional. The p.Arg754Gln substitution appears to be benign using several in-silico pathogenicity prediction tools (SIFT, PolyPhen2, Align GVGD). Due to insufficient evidences and the lack of functional studies, the clinical significance of the p.Arg754Gln change remains unknown at this time.